The following is an entry in ClinVar:

ClinVar aggregate classification (germline): Uncertain significance (1 of 4 stars; one submission).

Conditions:
Progressive myoclonic epilepsy. Also called: Familial progressive myoclonic epilepsy; Myoclonic Epilepsies, Progressive; Myoclonus epilepsy; Progressive myoclonus epilepsy. Identifiers: Orphanet 308, Orphanet 98261, MedGen C0751778, MONDO:0020074.

Allele frequency attached by ClinVar (database versions not stated): TOPMed 0.00001.
gnomAD v4.1: 3 of 1,613,824 alleles (0.00019%); highest among the groups gnomAD compares: Non-Finnish European, 0.00025%; no homozygotes.

Submission:

Labcorp Genetics (formerly Invitae), Labcorp
Classification: Uncertain significance for Progressive myoclonic epilepsy. Last evaluated: 2019-09-20. Review status: criteria provided, single submitter. Criteria: Invitae Variant Classification Sherloc (09022015). Collection method: clinical testing. Allele origin: germline.
Comment: This sequence change replaces arginine with glycine at codon 241 of the EPM2A protein (p.Arg241Gly). The arginine residue is highly conserved and there is a moderate physicochemical difference between arginine and glycine. This variant is not present in population databases (ExAC no frequency). This variant has not been reported in the literature in individuals with EPM2A-related conditions. In summary, the available evidence is currently insufficient to determine the role of this variant in disease. Therefore, it has been classified as a Variant of Uncertain Significance. Algorithms developed to predict the effect of missense changes on protein structure and function (SIFT, PolyPhen-2, Align-GVGD) all suggest that this variant is likely to be disruptive, but these predictions have not been confirmed by published functional studies and their clinical significance is uncertain.

NM_005670.4(EPM2A):c.721C>G (p.Arg241Gly)

Gene: EPM2A (EPM2A glucan phosphatase, laforin; minus strand). Cytogenetic location: 6q24.3.
Variant type: single nucleotide variant.
Coding change: c.721C>G on transcript NM_005670.4 (MANE Select); coding-DNA position 721, C replaced by G.
Protein change: p.Arg241Gly; replaces arginine 241 with glycine.
Molecular consequence: missense variant. On other transcripts: non-coding transcript variant (1).
Genome position (GRCh38, 1-based): chr6:145,627,691, G>C on the plus strand (C>G on the coding strand, the complement: EPM2A is on the minus strand). VCF-style: chr6-145627691-G-C. GRCh37 (hg19) VCF-style: chr6-145948827-G-C.
Other names: c.721C>G, p.Arg241Gly (NM_001018041.2); c.479C>G, p.Pro160Arg (NM_001360057.2); c.307C>G, p.Arg103Gly (NM_001360064.2, NM_001360071.2, NM_001368131.1); c.259C>G, p.Arg87Gly (NM_001368129.2, NM_001368132.1); short protein forms P160R, R241G, R87G, R103G.
Identifiers: ClinVar variation 943249 (VCV000943249.9), dbSNP rs104893950, ClinGen allele CA366190483.